The following is an entry in ClinVar:

NM_004656.4(BAP1):c.248C>T (p.Ala83Val)

Gene: BAP1 (BRCA1 associated deubiquitinase 1; minus strand). Cytogenetic location: 3p21.1.
Variant type: single nucleotide variant.
Coding change: c.248C>T on transcript NM_004656.4 (MANE Select); coding-DNA position 248, C replaced by T.
Protein change: p.Ala83Val; replaces alanine 83 with valine.
Molecular consequence: missense variant.
Genome position (GRCh38, 1-based): chr3:52,408,481, G>A on the plus strand (C>T on the coding strand, the complement: BAP1 is on the minus strand). VCF-style: chr3-52408481-G-A. GRCh37 (hg19) VCF-style: chr3-52442497-G-A.
Other names: c.248C>T, p.Ala83Val (NM_001410772.1); short protein forms A83V.
Identifiers: ClinVar variation 3478029 (VCV003478029.1).

ClinVar aggregate classification (germline): Uncertain significance (1 of 4 stars; one submission).

Conditions:
Hereditary cancer-predisposing syndrome. Also called: Tumor predisposition; Neoplastic Syndromes, Hereditary; Hereditary neoplastic syndrome; Hereditary Cancer Syndrome. Identifiers: Orphanet 140162, MedGen C0027672, MeSH D009386, MONDO:0015356.

Submission:

Ambry Genetics
Classification: Uncertain significance for Hereditary cancer-predisposing syndrome. Last evaluated: 2024-12-10. Review status: criteria provided, single submitter. Criteria: Ambry Variant Classification Scheme 2023. Collection method: clinical testing. Allele origin: germline.
Comment: The p.A83V variant (also known as c.248C>T), located in coding exon 4 of the BAP1 gene, results from a C to T substitution at nucleotide position 248. The alanine at codon 83 is replaced by valine, an amino acid with similar properties. This amino acid position is conserved. In addition, this alteration is predicted to be deleterious by in silico analysis. Based on the available evidence, the clinical significance of this variant remains unclear.